The following is an entry in ClinVar:

ClinVar aggregate classification (germline): Uncertain significance. Review status: criteria provided, multiple submitters, no conflicts (2 of 4 stars). 2 submissions from 2 submitters: Uncertain significance (2). Last evaluated 2025-12-24.

gnomAD v4.1: 12 of 1,609,436 alleles (0.00075%); highest among the groups gnomAD compares: African/African-American, 0.0053%; no homozygotes.

Submissions (2):

Labcorp Genetics (formerly Invitae), Labcorp
Classification: Uncertain significance. Last evaluated: 2025-12-24. Review status: criteria provided, single submitter. Criteria: Invitae Variant Classification Sherloc (09022015). Collection method: clinical testing. Allele origin: germline.
Comment: This sequence change replaces arginine, which is basic and polar, with histidine, which is basic and polar, at codon 331 of the C1S protein (p.Arg331His). The frequency data for this variant in the population databases is considered unreliable, as metrics indicate poor data quality at this position in the gnomAD database. This missense change has been observed in individual(s) with childhood-onset monogenic lupus (PMID: 36379578). ClinVar contains an entry for this variant (Variation ID: 3612061). Invitae Evidence Modeling of protein sequence and biophysical properties (such as structural, functional, and spatial information, amino acid conservation, physicochemical variation, residue mobility, and thermodynamic stability) indicates that this missense variant is not expected to disrupt C1S protein function with a negative predictive value of 80%. In summary, the available evidence is currently insufficient to determine the role of this variant in disease. Therefore, it has been classified as a Variant of Uncertain Significance.

Women's Health and Genetics/Laboratory Corporation of America, LabCorp
Classification: Uncertain significance. Last evaluated: 2025-06-30. Review status: criteria provided, single submitter. Criteria: LabCorp Variant Classification Summary - May 2015. Collection method: clinical testing. Allele origin: germline.
Comment: Variant summary: C1S c.992G>A (p.Arg331His) results in a non-conservative amino acid change in the encoded protein sequence. Algorithms developed to predict the effect of missense changes on protein structure and function are either unavailable or do not agree on the potential impact of this missense change. The variant allele was found at a frequency of 8e-06 in 251464 control chromosomes. The available data on variant occurrences in the general population are insufficient to allow any conclusion about variant significance. c.992G>A has been observed in one individual affected with childhood-onset monogenic lupus (Misztal_2023). The report does not provide unequivocal conclusions about association of the variant with Complement component C1s deficiency. To our knowledge, no experimental evidence demonstrating an impact on protein function has been reported. The following publication have been ascertained in the context of this evaluation (PMID: 36379578). ClinVar contains an entry for this variant (Variation ID: 3612061). Based on the evidence outlined above, the variant was classified as uncertain significance.

Literature cited by the submitters: PubMed 36379578 (cited by Labcorp Genetics (formerly Invitae), Labcorp and Women's Health and Genetics/Laboratory Corporation of America, LabCorp).

NM_001734.5(C1S):c.992G>A (p.Arg331His)

Gene: C1S (complement C1s; plus strand). Cytogenetic location: 12p13.31.
Variant type: single nucleotide variant.
Coding change: c.992G>A on transcript NM_001734.5 (MANE Select); coding-DNA position 992, G replaced by A.
Protein change: p.Arg331His; replaces arginine 331 with histidine.
Molecular consequence: missense variant.
Genome position (GRCh38, 1-based): chr12:7,067,043, G>A. VCF-style: chr12-7067043-G-A. GRCh37 (hg19) VCF-style: chr12-7174347-G-A.
Other names: c.491G>A, p.Arg164His (NM_001346850.2); c.992G>A, p.Arg331His (NM_201442.4); short protein forms R164H, R331H.
Identifiers: ClinVar variation 3612061 (VCV003612061.3).
Genomic context (GRCh38, chr12:7,067,043, plus strand): 5'-TTTTGGTTTCCCATATCTCTCTTCAGAAATAAGTGGTGATGTTTATTATTCTCCAGGGAC[G>A]TGTTGGTGCAACATCTTTCTATTCGACTTGTCAAAGCAATGGAAAGTGGAGTAATTCCAA-3'
Protein context (NP_001725.1, residues 321-341): CLDGFEVVEG[Arg331His]VGATSFYSTC